The following is an entry in ClinVar:

ClinVar aggregate classification (germline): Uncertain significance (1 of 4 stars; one submission).

Conditions:
Gorlin syndrome. Also called: Nevoid Basal Cell Carcinoma Syndrome; Basal cell nevus syndrome. Identifiers: Orphanet 377, MedGen C0004779, MONDO:0007187.

Allele frequency attached by ClinVar (database versions not stated): gnomAD exomes below 0.00001.
gnomAD v4.1: 1 of 1,614,026 alleles (0.000062%); highest among the groups gnomAD compares: Non-Finnish European, 0.000085%; no homozygotes.

Submission:

Labcorp Genetics (formerly Invitae), Labcorp
Classification: Uncertain significance for Gorlin syndrome. Last evaluated: 2019-11-14. Review status: criteria provided, single submitter. Criteria: Invitae Variant Classification Sherloc (09022015). Collection method: clinical testing. Allele origin: germline.
Comment: In summary, the available evidence is currently insufficient to determine the role of this variant in disease. Therefore, it has been classified as a Variant of Uncertain Significance. Algorithms developed to predict the effect of missense changes on protein structure and function (SIFT, PolyPhen-2, Align-GVGD) all suggest that this variant is likely to be disruptive, but these predictions have not been confirmed by published functional studies and their clinical significance is uncertain. This variant has not been reported in the literature in individuals with PTCH1-related conditions. This variant is not present in population databases (ExAC no frequency). This sequence change replaces tyrosine with histidine at codon 193 of the PTCH1 protein (p.Tyr193His). The tyrosine residue is highly conserved and there is a moderate physicochemical difference between tyrosine and histidine.

NM_000264.5(PTCH1):c.577T>C (p.Tyr193His)

Gene: PTCH1 (patched 1; minus strand). Cytogenetic location: 9q22.32.
Variant type: single nucleotide variant.
Coding change: c.577T>C on transcript NM_000264.5 (MANE Select); coding-DNA position 577, T replaced by C.
Protein change: p.Tyr193His; replaces tyrosine 193 with histidine.
Molecular consequence: missense variant. On other transcripts: non-coding transcript variant (1).
Genome position (GRCh38, 1-based): chr9:95,485,692, A>G on the plus strand (T>C on the coding strand, the complement: PTCH1 is on the minus strand). VCF-style: chr9-95485692-A-G. GRCh37 (hg19) VCF-style: chr9-98247974-A-G.
Other names: c.379T>C, p.Tyr127His (NM_001083602.3, NM_001354919.2); c.574T>C, p.Tyr192His (NM_001083603.3); c.124T>C, p.Tyr42His (NM_001083604.3, NM_001083605.3, NM_001083606.3 and 1 more transcripts); c.577T>C, p.Tyr193His (NM_001354918.2); short protein forms Y42H, Y127H, Y192H, Y193H.
Identifiers: ClinVar variation 969909 (VCV000969909.10), dbSNP rs1841905015, ClinGen allele CA374116580.